The following is an entry in ClinVar:

ClinVar aggregate classification (germline): Likely pathogenic (1 of 4 stars; one submission).

Conditions:
Dilated cardiomyopathy 1G (CMD1G). Identifiers: Orphanet 154, MedGen C1858763, MONDO:0011400, OMIM 604145.
Autosomal recessive limb-girdle muscular dystrophy type 2J (LGMDR10). Also called: Limb-girdle muscular dystrophy, type 2J; MUSCULAR DYSTROPHY, LIMB-GIRDLE, AUTOSOMAL RECESSIVE 10. Identifiers: Orphanet 140922, MedGen C1837342, MONDO:0012127, OMIM 608807.

Submission:

Labcorp Genetics (formerly Invitae), Labcorp
Classification: Likely pathogenic for Dilated cardiomyopathy 1G; Autosomal recessive limb-girdle muscular dystrophy type 2J. Last evaluated: 2018-03-27. Review status: criteria provided, single submitter. Criteria: Invitae Variant Classification Sherloc (09022015). Collection method: clinical testing. Allele origin: germline.
Comment: In summary, the currently available evidence indicates that the variant is pathogenic, but additional data are needed to prove that conclusively. Therefore, this variant has been classified as Likely Pathogenic. Retrotransposon insertions including LINE1 (L1), Alu, and SVA (SINE-VNTR-Alu) have been reported to be disease-causing through disruption of either a coding region or splice site (PMID: 19763152, 20307669, 22406018). Although this variant has not been reported in the literature, this variant is found in the A-band of this gene and truncating variants in the A-band of TTN are significantly overrepresented in patients with dilated cardiomyopathy, and are considered to be likely pathogenic for the disease (PMID: 25589632). Truncating variants in TTN have also been reported in individuals affected with autosomal recessive centronuclear myopathy (PMID: 23975875). This sequence change is an SVA-mediated insertion in exon 273 of the TTN mRNA (c.52063_52064insSVA), causing a frameshift at codon 17355 (p.His17355fs). The exact size and sequence of the insertion cannot be determined by the current assay. While this is not anticipated to result in nonsense mediated decay, it is expected to create a truncated TTN protein.

Literature cited by the submitters: PubMed 19763152; PubMed 20307669; PubMed 22406018; PubMed 25589632; PubMed 23975875.

NM_001267550.2(TTN):c.52063_52064insGGCCGGGCGCGGTGGCTCACGCCTGTAATCCCAGCACTTTGGGAGGCCGAGGCGGGCGGATCACGAGGTCAGGAGATNNNNNNNNNNNNGAAAATGACC (p.Asp17354_His17355insArgProGlyAlaValAlaHisAlaCysAsnProSerThrLeuGlyGlyArgGlyGlyArgIleThrArgSerGlyAspXaaXaaXaaXaaGluAsnAsp)

Genes: TTN-AS1 (TTN antisense RNA 1; plus strand), TTN (titin; minus strand). Cytogenetic location: 2q31.2.
Variant type: Insertion.
Coding change: c.52063_52064insGGCCGGGCGCGGTGGCTCACGCCTGTAATCCCAGCACTTTGGGAGGCCGAGGCGGGCGGATCACGAGGTCAGGAGATNNNNNNNNNNNNGAAAATGACC on transcript NM_001267550.2 (MANE Select); coding-DNA positions 52063 to 52064, GGCCGGGCGCGGTGGCTCACGCCTGTAATCCCAGCACTTTGGGAGGCCGAGGCGGGCGGATCACGAGGTCAGGAGATNNNNNNNNNNNNGAAAATGACC inserted.
Protein change: p.Asp17354_His17355insArgProGlyAlaValAlaHisAlaCysAsnProSerThrLeuGlyGlyArgGlyGlyArgIleThrArgSerGlyAspXaaXaaXaaXaaGluAsnAsp.
Molecular consequence: inframe insertion.
Genome position: GRCh38: chr2:178,609,256-178,609,257. GRCh37 (hg19): chr2:179,473,983-179,473,984.
Other names: c.25243_25244insGGCCGGGCGCGGTGGCTCACGCCTGTAATCCCAGCACTTTGGGAGGCCGAGGCGGGCGGATCACGAGGTCAGGAGATNNNNNNNNNNNNGAAAATGACC, p.Asp8414_His8415insArgProGlyAlaValAlaHisAlaCysAsnProSerThrLeuGlyGlyArgGlyGlyArgIleThrArgSerGlyAspXaaXaaXaaXaaGluAsnAsp (NM_133432.3); c.47140_47141insGGCCGGGCGCGGTGGCTCACGCCTGTAATCCCAGCACTTTGGGAGGCCGAGGCGGGCGGATCACGAGGTCAGGAGATNNNNNNNNNNNNGAAAATGACC, p.Asp15713_His15714insArgProGlyAlaValAlaHisAlaCysAsnProSerThrLeuGlyGlyArgGlyGlyArgIleThrArgSerGlyAspXaaXaaXaaXaaGluAsnAsp (NM_001256850.1); c.24868_24869insGGCCGGGCGCGGTGGCTCACGCCTGTAATCCCAGCACTTTGGGAGGCCGAGGCGGGCGGATCACGAGGTCAGGAGATNNNNNNNNNNNNGAAAATGACC, p.Asp8289_His8290insArgProGlyAlaValAlaHisAlaCysAsnProSerThrLeuGlyGlyArgGlyGlyArgIleThrArgSerGlyAspXaaXaaXaaXaaGluAsnAsp (NM_003319.4); c.44359_44360insGGCCGGGCGCGGTGGCTCACGCCTGTAATCCCAGCACTTTGGGAGGCCGAGGCGGGCGGATCACGAGGTCAGGAGATNNNNNNNNNNNNGAAAATGACC, p.Asp14786_His14787insArgProGlyAlaValAlaHisAlaCysAsnProSerThrLeuGlyGlyArgGlyGlyArgIleThrArgSerGlyAspXaaXaaXaaXaaGluAsnAsp (NM_133378.4); c.25444_25445insGGCCGGGCGCGGTGGCTCACGCCTGTAATCCCAGCACTTTGGGAGGCCGAGGCGGGCGGATCACGAGGTCAGGAGATNNNNNNNNNNNNGAAAATGACC, p.Asp8481_His8482insArgProGlyAlaValAlaHisAlaCysAsnProSerThrLeuGlyGlyArgGlyGlyArgIleThrArgSerGlyAspXaaXaaXaaXaaGluAsnAsp (NM_133437.4).
Identifiers: ClinVar variation 1067971 (VCV001067971.9), dbSNP rs2154198326.